The following is an entry in ClinVar:

ClinVar aggregate classification (germline): Uncertain significance (1 of 4 stars; one submission).

Allele frequency attached by ClinVar (database versions not stated): gnomAD exomes below 0.00001; TOPMed below 0.00001.
gnomAD v4.1: 1 of 1,435,150 alleles (0.00007%); highest among the groups gnomAD compares: South Asian, 0.0012%; no homozygotes.

Submission:

GeneDx
Classification: Uncertain significance. Last evaluated: 2019-11-20. Review status: criteria provided, single submitter. Criteria: GeneDx Variant Classification Process June 2021. Collection method: clinical testing. Allele origin: germline. Affected: yes.
Comment: Not observed in large population cohorts (Lek et al., 2016); In silico analysis, which includes protein predictors and evolutionary conservation, supports a deleterious effect; Has not been previously published as pathogenic or benign to our knowledge

NM_005585.5(SMAD6):c.1478A>G (p.Asn493Ser)

Gene: SMAD6 (SMAD family member 6; plus strand). Cytogenetic location: 15q22.31.
Variant type: single nucleotide variant.
Coding change: c.1478A>G on transcript NM_005585.5 (MANE Select); coding-DNA position 1478, A replaced by G.
Protein change: p.Asn493Ser; replaces asparagine 493 with serine.
Molecular consequence: missense variant. On other transcripts: non-coding transcript variant (1).
Genome position (GRCh38, 1-based): chr15:66,781,522, A>G. VCF-style: chr15-66781522-A-G. GRCh37 (hg19) VCF-style: chr15-67073860-A-G.
Other names: short protein forms N493S.
Identifiers: ClinVar variation 1320795 (VCV001320795.2), dbSNP rs1894577035, ClinGen allele CA393202623.